The following is an entry in ClinVar:

ClinVar aggregate classification (germline): Uncertain significance (1 of 4 stars; one submission).

Allele frequency attached by ClinVar (database versions not stated): gnomAD exomes below 0.00001; TOPMed below 0.00001.
gnomAD v4.1: 2 of 1,613,590 alleles (0.00012%); highest among the groups gnomAD compares: Non-Finnish European, 0.00017%; no homozygotes.

Submission:

Labcorp Genetics (formerly Invitae), Labcorp
Classification: Uncertain significance. Last evaluated: 2023-09-15. Review status: criteria provided, single submitter. Criteria: Invitae Variant Classification Sherloc (09022015). Collection method: clinical testing. Allele origin: germline.
Comment: This sequence change replaces tyrosine, which is neutral and polar, with phenylalanine, which is neutral and non-polar, at codon 2431 of the FAT4 protein (p.Tyr2431Phe). This variant is not present in population databases (gnomAD no frequency). This variant has not been reported in the literature in individuals affected with FAT4-related conditions. ClinVar contains an entry for this variant (Variation ID: 1489425). Advanced modeling of protein sequence and biophysical properties (such as structural, functional, and spatial information, amino acid conservation, physicochemical variation, residue mobility, and thermodynamic stability) has been performed at Invitae for this missense variant, however the output from this modeling did not meet the statistical confidence thresholds required to predict the impact of this variant on FAT4 protein function. In summary, the available evidence is currently insufficient to determine the role of this variant in disease. Therefore, it has been classified as a Variant of Uncertain Significance.

NM_001291303.3(FAT4):c.7298A>T (p.Tyr2433Phe)

Gene: FAT4 (FAT atypical cadherin 4; plus strand). Cytogenetic location: 4q28.1.
Variant type: single nucleotide variant.
Coding change: c.7298A>T on transcript NM_001291303.3 (MANE Select); coding-DNA position 7298, A replaced by T.
Protein change: p.Tyr2433Phe; replaces tyrosine 2433 with phenylalanine.
Molecular consequence: missense variant.
Genome position (GRCh38, 1-based): chr4:125,446,391, A>T. VCF-style: chr4-125446391-A-T. GRCh37 (hg19) VCF-style: chr4-126367546-A-T.
Other names: c.7298A>T, p.Tyr2433Phe (NM_001291285.3); c.7292A>T, p.Tyr2431Phe (NM_024582.6); short protein forms Y2433F, Y2431F.
Identifiers: ClinVar variation 1489425 (VCV001489425.6), dbSNP rs776198713, ClinGen allele CA358138666.
Genomic context (GRCh38, chr4:125,446,391, plus strand): 5'-ACCCATCGACAGGACAAATCATCACCAGCGCATTGTTAGATAGGGAAACAAAAGATAATT[A>T]TACTTTGGTAGTGGTCTGCAGTGATGCGGGATCCCCAGAGCCTCTTTCCAGTTCCACCAG-3'
Protein context (NP_001278232.1, residues 2423-2443): ALLDRETKDN[Tyr2433Phe]TLVVVCSDAG